The following is an entry in ClinVar:

NM_005918.4(MDH2):c.900G>C (p.Glu300Asp)

Gene: MDH2 (malate dehydrogenase 2; plus strand). Cytogenetic location: 7q11.23.
Variant type: single nucleotide variant.
Coding change: c.900G>C on transcript NM_005918.4 (MANE Select); coding-DNA position 900, G replaced by C.
Protein change: p.Glu300Asp; replaces glutamic acid 300 with aspartic acid.
Molecular consequence: missense variant.
Genome position (GRCh38, 1-based): chr7:76,066,293, G>C. VCF-style: chr7-76066293-G-C. GRCh37 (hg19) VCF-style: chr7-75695611-G-C.
Other names: c.774G>C, p.Glu258Asp (NM_001282403.2); c.579G>C, p.Glu193Asp (NM_001282404.2); short protein forms E193D, E258D, E300D.
Identifiers: ClinVar variation 1715509 (VCV001715509.5), dbSNP rs2535875548, ClinGen allele CA367769650.

ClinVar aggregate classification (germline): Uncertain significance (1 of 4 stars; one submission).

Submission:

Labcorp Genetics (formerly Invitae), Labcorp
Classification: Uncertain significance. Last evaluated: 2022-08-07. Review status: criteria provided, single submitter. Criteria: Invitae Variant Classification Sherloc (09022015). Collection method: clinical testing. Allele origin: germline.
Comment: This sequence change replaces glutamic acid, which is acidic and polar, with aspartic acid, which is acidic and polar, at codon 300 of the MDH2 protein (p.Glu300Asp). This variant is not present in population databases (gnomAD no frequency). This variant has not been reported in the literature in individuals affected with MDH2-related conditions. Algorithms developed to predict the effect of missense changes on protein structure and function are either unavailable or do not agree on the potential impact of this missense change (SIFT: "Tolerated"; PolyPhen-2: "Possibly Damaging"; Align-GVGD: "Class C0"). In summary, the available evidence is currently insufficient to determine the role of this variant in disease. Therefore, it has been classified as a Variant of Uncertain Significance.